The following is an entry in ClinVar:

NM_006231.4(POLE):c.6658-19C>T

Gene: POLE (DNA polymerase epsilon, catalytic subunit; minus strand). Cytogenetic location: 12q24.33.
Variant type: single nucleotide variant.
Coding change: c.6658-19C>T on transcript NM_006231.4 (MANE Select); 19 bases into the intron before coding-DNA position 6658, C replaced by T.
Molecular consequence: intron variant.
Genome position (GRCh38, 1-based): chr12:132,625,013, G>A on the plus strand (C>T on the coding strand, the complement: POLE is on the minus strand). VCF-style: chr12-132625013-G-A. GRCh37 (hg19) VCF-style: chr12-133201599-G-A.
Identifiers: ClinVar variation 384458 (VCV000384458.10), dbSNP rs5745081, ClinGen allele CA6892024.

ClinVar aggregate classification (germline): Likely benign. Review status: criteria provided, multiple submitters, no conflicts (2 of 4 stars). 2 submissions from 2 submitters: Likely benign (2). Last evaluated 2025-12-28.

Allele frequency attached by ClinVar (database versions not stated): TOPMed 0.00002.
gnomAD v4.1: 20 of 1,602,274 alleles (0.0012%); highest among the groups gnomAD compares: African/African-American, 0.004%; no homozygotes.

Submissions (2):

Labcorp Genetics (formerly Invitae), Labcorp
Classification: Likely benign. Last evaluated: 2025-12-28. Review status: criteria provided, single submitter. Criteria: Invitae Variant Classification Sherloc (09022015). Collection method: clinical testing. Allele origin: germline.

GeneDx
Classification: Likely benign. Last evaluated: 2016-03-02. Review status: criteria provided, single submitter. Criteria: GeneDx Variant Classification (06012015). Collection method: clinical testing. Allele origin: germline. Affected: yes.
Comment: This variant is considered likely benign or benign based on one or more of the following criteria: it is a conservative change, it occurs at a poorly conserved position in the protein, it is predicted to be benign by multiple in silico algorithms, and/or has population frequency not consistent with disease.